The following is an entry in ClinVar:

ClinVar aggregate classification (germline): Benign/Likely benign. Review status: criteria provided, multiple submitters, no conflicts (2 of 4 stars). 5 submissions from 5 submitters: Benign (3); Likely benign (2). Last evaluated 2026-01-12.

Allele frequency attached by ClinVar (database versions not stated): 1000 Genomes Project 30x 0.00968; TOPMed 0.00998; 1000 Genomes Project 0.01038; ESP Exome Variant Server 0.01061; gnomAD 0.01244 and 0.01271; ExAC 0.01721.
gnomAD v4.1: 25,392 of 1,613,820 alleles (1.6%); highest among the groups gnomAD compares: Middle Eastern, 3.9%; 263 homozygotes.

Submissions (5):

Labcorp Genetics (formerly Invitae), Labcorp
Classification: Benign. Last evaluated: 2026-01-12. Review status: criteria provided, single submitter. Criteria: Invitae Variant Classification Sherloc (09022015). Collection method: clinical testing. Allele origin: germline.

Athena Diagnostics
Classification: Benign. Last evaluated: 2024-01-09. Review status: criteria provided, single submitter. Criteria: Athena Diagnostics Criteria. Collection method: clinical testing. Allele origin: unknown.

Mayo Clinic Laboratories, Mayo Clinic
Classification: Benign. Last evaluated: 2023-04-19. Review status: criteria provided, single submitter. Criteria: ACMG Guidelines, 2015. Collection method: clinical testing. Allele origin: germline. Observed: 14 variant alleles.
Comment: BS1, BS2, PP3

GeneDx
Classification: Likely benign. Last evaluated: 2021-05-04. Review status: criteria provided, single submitter. Criteria: GeneDx Variant Classification Process June 2021. Collection method: clinical testing. Allele origin: germline. Affected: yes.
Comment: See Variant Classification Assertion Criteria.

Breakthrough Genomics
Classification: Likely benign. Review status: criteria provided, single submitter. Criteria: ACMG Guidelines, 2015. Collection method: not provided. Allele origin: germline. Inheritance: Autosomal recessive inheritance. Affected: yes.

Literature cited by the submitters: PubMed 27957625 (cited by Athena Diagnostics); PubMed 19924463 (cited by Athena Diagnostics); PubMed 36325056 (cited by Athena Diagnostics); PubMed 32570879 (cited by Athena Diagnostics); PubMed 28440294 (cited by Athena Diagnostics); PubMed 26046367 (cited by Athena Diagnostics); PubMed 21376300 (cited by Athena Diagnostics); PubMed 25137254 (cited by Athena Diagnostics); PubMed 22448230 (cited by Athena Diagnostics).

NM_001278064.2(GRM1):c.2185C>A (p.Pro729Thr)

Gene: GRM1 (glutamate metabotropic receptor 1; plus strand). Cytogenetic location: 6q24.3.
Variant type: single nucleotide variant.
Coding change: c.2185C>A on transcript NM_001278064.2 (MANE Select); coding-DNA position 2185, C replaced by A.
Protein change: p.Pro729Thr; replaces proline 729 with threonine.
Molecular consequence: missense variant.
Genome position (GRCh38, 1-based): chr6:146,399,224, C>A. VCF-style: chr6-146399224-C-A. GRCh37 (hg19) VCF-style: chr6-146720360-C-A.
Other names: p.Pro729Thr; c.2185C>A, p.Pro729Thr (NM_001278065.2, NM_001278066.1, NM_001278067.1); short protein forms P729T.
Identifiers: ClinVar variation 995109 (VCV000995109.10), dbSNP rs41305288, ClinGen allele CA4037424.